The following is an entry in ClinVar:

ClinVar aggregate classification (germline): Benign/Likely benign. Review status: criteria provided, multiple submitters, no conflicts (2 of 4 stars). 4 submissions from 4 submitters: Benign (1); Likely benign (3). Last evaluated 2026-01-21.

Conditions:
Intellectual developmental disorder, X-linked 1. Also called: MENTAL RETARDATION, X-LINKED 18; MENTAL RETARDATION, X-LINKED 78; Intellectual disability, X-linked 1; Atkin Flaitz Patil Smith syndrome. Identifiers: Orphanet 777, MedGen C2931498, MONDO:0010656, OMIM 309530.

Allele frequency attached by ClinVar (database versions not stated): gnomAD exomes 0.00006 and 0.00012; TOPMed 0.00005; ESP Exome Variant Server 0.00009; gnomAD 0.00003; ExAC 0.00010.
gnomAD v4.1: 75 of 1,204,220 alleles (0.0062%); highest among the groups gnomAD compares: Middle Eastern, 0.11%; no homozygotes.

Submissions (4):

Labcorp Genetics (formerly Invitae), Labcorp
Classification: Benign for Intellectual developmental disorder, X-linked 1. Last evaluated: 2026-01-21. Review status: criteria provided, single submitter. Criteria: Invitae Variant Classification Sherloc (09022015). Collection method: clinical testing. Allele origin: germline.

Blueprint Genetics
Classification: Likely benign. Last evaluated: 2024-10-07. Review status: criteria provided, single submitter. Criteria: ACMG Guidelines, 2015. Collection method: clinical testing. Allele origin: germline.

CeGaT Center for Human Genetics Tuebingen
Classification: Likely benign. Last evaluated: 2024-08-01. Review status: criteria provided, single submitter. Criteria: CeGaT Center For Human Genetics Tuebingen Variant Classification Criteria Version 2. Collection method: clinical testing. Allele origin: germline. Affected: yes. Observed: 1 variant allele.
Comment: IQSEC2: BP4, BS2

GeneDx
Classification: Likely benign. Last evaluated: 2017-10-09. Review status: criteria provided, single submitter. Criteria: GeneDx Variant Classification (06012015). Collection method: clinical testing. Allele origin: germline. Affected: yes.
Comment: This variant is considered likely benign or benign based on one or more of the following criteria: it is a conservative change, it occurs at a poorly conserved position in the protein, it is predicted to be benign by multiple in silico algorithms, and/or has population frequency not consistent with disease.

NM_001111125.3(IQSEC2):c.1176C>T (p.Phe392=)

Gene: IQSEC2 (IQ motif and Sec7 domain ArfGEF 2; minus strand). Cytogenetic location: Xp11.22.
Variant type: single nucleotide variant.
Coding change: c.1176C>T on transcript NM_001111125.3 (MANE Select); coding-DNA position 1176, C replaced by T.
Protein change: p.Phe392=; no amino-acid change (phenylalanine 392 retained).
Molecular consequence: synonymous variant.
Genome position (GRCh38, 1-based): chrX:53,254,755, G>A on the plus strand (C>T on the coding strand, the complement: IQSEC2 is on the minus strand). VCF-style: chrX-53254755-G-A. GRCh37 (hg19) VCF-style: chrX-53283937-G-A.
Other names: c.561C>T, p.Phe187= (NM_015075.2).
Identifiers: ClinVar variation 512522 (VCV000512522.28), dbSNP rs374511542, ClinGen allele CA10420100.
Genomic context (GRCh38, chrX:53,254,755, plus strand): 5'-CGAGGCAGGCTTGCCCTCGAAGTACGCGGGGTTCTGTGCCTTCTCATACTCCTCAAAGGA[G>A]AACTGCATCCGCATGTTGGAAAGGATGATGCGGCGGGACATGCGGCTCTCTGAGGCTGAG-3'
Protein context (NP_001104595.1, residues 382-402): RIILSNMRMQ[Phe392=]SFEEYEKAQN